The following is an entry in ClinVar:

ClinVar aggregate classification (germline): Uncertain significance (1 of 4 stars; one submission).

gnomAD v4.1: 1 of 1,614,146 alleles (0.000062%); highest among the groups gnomAD compares: Non-Finnish European, 0.000085%; no homozygotes.

Submission:

Labcorp Genetics (formerly Invitae), Labcorp
Classification: Uncertain significance. Last evaluated: 2024-02-04. Review status: criteria provided, single submitter. Criteria: Invitae Variant Classification Sherloc (09022015). Collection method: clinical testing. Allele origin: germline.
Comment: This sequence change replaces leucine, which is neutral and non-polar, with phenylalanine, which is neutral and non-polar, at codon 1685 of the RAI1 protein (p.Leu1685Phe). This variant is not present in population databases (gnomAD no frequency). This variant has not been reported in the literature in individuals affected with RAI1-related conditions. Advanced modeling of protein sequence and biophysical properties (such as structural, functional, and spatial information, amino acid conservation, physicochemical variation, residue mobility, and thermodynamic stability) performed at Invitae indicates that this missense variant is expected to disrupt RAI1 protein function with a positive predictive value of 80%. In summary, the available evidence is currently insufficient to determine the role of this variant in disease. Therefore, it has been classified as a Variant of Uncertain Significance.

NM_030665.4(RAI1):c.5053C>T (p.Leu1685Phe)

Gene: RAI1 (retinoic acid induced 1; plus strand). Cytogenetic location: 17p11.2.
Variant type: single nucleotide variant.
Coding change: c.5053C>T on transcript NM_030665.4 (MANE Select); coding-DNA position 5053, C replaced by T.
Protein change: p.Leu1685Phe; replaces leucine 1685 with phenylalanine.
Molecular consequence: missense variant.
Genome position (GRCh38, 1-based): chr17:17,798,001, C>T. VCF-style: chr17-17798001-C-T. GRCh37 (hg19) VCF-style: chr17-17701315-C-T.
Other names: short protein forms L1685F.
Identifiers: ClinVar variation 3638545 (VCV003638545.2).